The following is an entry in ClinVar:

ClinVar aggregate classification (germline): Uncertain significance. Review status: criteria provided, multiple submitters, no conflicts (2 of 4 stars). 2 submissions from 2 submitters: Uncertain significance (2). Last evaluated 2025-07-03.

gnomAD v4.1: 98 of 1,610,660 alleles (0.0061%); highest among the groups gnomAD compares: Middle Eastern, 0.016%; no homozygotes.

Submissions (2):

Ambry Genetics
Classification: Uncertain significance. Last evaluated: 2025-07-03. Review status: criteria provided, single submitter. Criteria: Ambry Variant Classification Scheme 2023. Collection method: clinical testing. Allele origin: germline.

GeneDx
Classification: Uncertain significance. Last evaluated: 2024-07-10. Review status: criteria provided, single submitter. Criteria: GeneDx Variant Classification Process June 2021. Collection method: clinical testing. Allele origin: germline. Affected: yes.
Comment: In silico analysis indicates that this missense variant does not alter protein structure/function; Has not been previously published as pathogenic or benign to our knowledge

NM_001378328.1(CELSR1):c.1304A>G (p.Asn435Ser)

Gene: CELSR1 (cadherin EGF LAG seven-pass G-type receptor 1; minus strand). Cytogenetic location: 22q13.31.
Variant type: single nucleotide variant.
Coding change: c.1304A>G on transcript NM_001378328.1 (MANE Select); coding-DNA position 1304, A replaced by G.
Protein change: p.Asn435Ser; replaces asparagine 435 with serine.
Molecular consequence: missense variant.
Genome position (GRCh38, 1-based): chr22:46,535,867, T>C on the plus strand (A>G on the coding strand, the complement: CELSR1 is on the minus strand). VCF-style: chr22-46535867-T-C. GRCh37 (hg19) VCF-style: chr22-46931764-T-C.
Other names: c.1304A>G, p.Asn435Ser (NM_014246.4); short protein forms N435S.
Identifiers: ClinVar variation 3572569 (VCV003572569.2).